The following is an entry in ClinVar:

ClinVar aggregate classification (germline): Benign/Likely benign. Review status: criteria provided, multiple submitters, no conflicts (2 of 4 stars). 4 submissions from 4 submitters: Benign (2); Likely benign (1). 1 of the submissions does not count toward it. Last evaluated 2026-01-06.

Conditions:
NF1-related disorder. Also called: NF1-related condition. Identifiers: MedGen CN379171.
Neurofibromatosis, type 1 (NF1). Also called: Neurofibromatosis, type I; Peripheral type neurofibromatosis; VON RECKLINGHAUSEN DISEASE; NEUROFIBROMATOSIS, TYPE I, SOMATIC. Identifiers: Orphanet 636, MedGen C0027831, MONDO:0018975, OMIM 162200. Disease mechanism: loss of function.

Allele frequency attached by ClinVar (database versions not stated): gnomAD 0.00002 and 0.00005; TOPMed 0.00005; gnomAD exomes 0.00030; ExAC 0.00128.
gnomAD v4.1: 147 of 1,536,998 alleles (0.0096%); highest among the groups gnomAD compares: South Asian, 0.15%; 3 homozygotes.

Submissions (4):

Labcorp Genetics (formerly Invitae), Labcorp
Classification: Benign for Neurofibromatosis, type 1. Last evaluated: 2026-01-06. Review status: criteria provided, single submitter. Criteria: Invitae Variant Classification Sherloc (09022015). Collection method: clinical testing. Allele origin: germline.

Blueprint Genetics
Classification: Likely benign. Last evaluated: 2023-02-22. Review status: criteria provided, single submitter. Criteria: ACMG Guidelines, 2015. Collection method: clinical testing. Allele origin: germline.

Medical Genetics, University of Parma
Classification: Benign for Neurofibromatosis, type 1. Last evaluated: 2022-08-17. Review status: criteria provided, single submitter. Criteria: ACMG Guidelines, 2015. Collection method: clinical testing. Allele origin: germline. Inheritance: Autosomal dominant inheritance. Affected: yes.

PreventionGenetics, part of Exact Sciences
Classification: Likely benign for NF1-related condition. Last evaluated: 2019-12-27. Review status: no assertion criteria provided. Collection method: clinical testing. Allele origin: germline. Not counted in ClinVar's aggregate classification.
Comment: This variant is classified as likely benign based on ACMG/AMP sequence variant interpretation guidelines (Richards et al. 2015 PMID: 25741868, with internal and published modifications).

NM_001042492.3(NF1):c.60+16C>A

Genes: MIR4733HG (MIR4733 host gene; minus strand), NF1 (neurofibromin 1; plus strand). Cytogenetic location: 17q11.2.
Variant type: single nucleotide variant.
Coding change: c.60+16C>A on transcript NM_001042492.3 (MANE Select); 16 bases into the intron after coding-DNA position 60, C replaced by A.
Molecular consequence: intron variant. On other transcripts: non-coding transcript variant (1).
Genome position (GRCh38, 1-based): chr17:31,095,385, C>A. VCF-style: chr17-31095385-C-A. GRCh37 (hg19) VCF-style: chr17-29422403-C-A.
Other names: c.60+16C>A (NM_001042492.2, NM_000267.4, NM_001128147.3).
Identifiers: ClinVar variation 1601487 (VCV001601487.12), dbSNP rs780674112, ClinGen allele CA8485440.